The following is an entry in ClinVar:

ClinVar aggregate classification (germline): Likely pathogenic. Review status: criteria provided, multiple submitters, no conflicts (2 of 4 stars). 4 submissions from 4 submitters: Likely pathogenic (2). 2 of the submissions do not count toward it. Last evaluated 2025-03-28.

Conditions:
von Willebrand disorder (VWD). Also called: von Willebrand's disease; Von Willebrand disease (hereditary or acquired); von Willebrand Diseases. Identifiers: MedGen C0042974, MeSH D014842, MONDO:0024574.
von Willebrand disease type 3 (VWD3). Also called: Type 3 Von Willebrand's disease; Type 3 VWD; Von Willebrand disease, severe form; V WD3; VON WILLEBRAND DISEASE, TYPE III. Identifiers: Orphanet 166096, MedGen C1264041, MONDO:0010191, OMIM 277480.

Allele frequency attached by ClinVar (database versions not stated): TOPMed 0.00001.
gnomAD v4.1: 1 of 1,610,858 alleles (0.000062%); no homozygotes.

Submissions (4):

Quest Diagnostics Nichols Institute San Juan Capistrano
Classification: Likely pathogenic. Last evaluated: 2025-03-28. Review status: criteria provided, single submitter. Criteria: Quest Diagnostics criteria. Collection method: clinical testing. Allele origin: unknown.
Comment: The VWF c.7729+7C>T variant has been reported in the published literature in individuals with types 1 and 3 von Willebrand disease (PMID: 35505650 (2022), 34351388 (2021), 23777763 (2013), 22674667 (2012), 12737944 (2003)). Functional studies demonstrated that this variant may disrupt mRNA splicing (PMID: 22674667 (2012)). This variant has not been reported in large, multi-ethnic general populations (Genome Aggregation Database). Analysis of this variant using software algorithms for the prediction of the effect of nucleotide changes on VWF mRNA splicing yielded predictions that this variant may result in the gain of a cryptic splice site without affecting the natural splice sites. Based on the available information, this variant is classified as likely pathogenic.

Women's Health and Genetics/Laboratory Corporation of America, LabCorp
Classification: Likely pathogenic for von Willebrand disorder. Last evaluated: 2024-07-16. Review status: criteria provided, single submitter. Criteria: LabCorp Variant Classification Summary - May 2015. Collection method: clinical testing. Allele origin: germline.
Comment: Variant summary: VWF c.7729+7C>T alters a non-conserved nucleotide located close to a canonical splice site and therefore could affect mRNA splicing, leading to a significantly altered protein sequence. Several computational tools predict a significant impact on normal splicing: One predicts the variant weakens a canonical 5' donor site. Three predict the variant creates a cryptic 5' donor site. At least one publication reports experimental evidence that this variant affects mRNA splicing (Solimando_2012). The variant was absent in 243814 control chromosomes (gnomAD). c.7729+7C>T has been reported in the literature in individuals affected with Von Willebrand Disease (Caronciani_2003, Solimando_2012, Lapi_2022). These data indicate that the variant may be associated with disease. The following publications have been ascertained in the context of this evaluation (PMID: 12737944, 22674667, 35505650). ClinVar contains an entry for this variant (Variation ID: 100484). Based on the evidence outlined above, the variant was classified as likely pathogenic.

Angelo Bianchi Bonomi Hemophilia and Thrombosis Center, Fondazione IRCCS Ca Granda Ospedale Maggiore Policlinico
Classification: Pathogenic for von Willebrand disease type 3. Last evaluated: 2020-11-01. Review status: no assertion criteria provided. Collection method: clinical testing. Allele origin: germline. Affected: yes. Study: Type 3 Von Willebrand International Registries Inhibitor Prospective Study (3WINTERS-IPS). Not counted in ClinVar's aggregate classification.
Comment: ClinGen Pathogenicity Calculator

Academic Unit of Haematology, University of Sheffield
No classification provided. Review status: no classification provided. Collection method: not provided. Allele origin: not provided. Not counted in ClinVar's aggregate classification.

Literature cited by the submitters: PubMed 35505650 (cited by Quest Diagnostics Nichols Institute San Juan Capistrano and Women's Health and Genetics/Laboratory Corporation of America, LabCorp); PubMed 22674667 (cited by Quest Diagnostics Nichols Institute San Juan Capistrano and Women's Health and Genetics/Laboratory Corporation of America, LabCorp); PubMed 12737944 (cited by Quest Diagnostics Nichols Institute San Juan Capistrano and Women's Health and Genetics/Laboratory Corporation of America, LabCorp); PubMed 34351388 (cited by Quest Diagnostics Nichols Institute San Juan Capistrano); PubMed 23777763 (cited by Quest Diagnostics Nichols Institute San Juan Capistrano).

NM_000552.5(VWF):c.7729+7C>T

Gene: VWF (von Willebrand factor; minus strand). Cytogenetic location: 12p13.31.
Variant type: single nucleotide variant.
Coding change: c.7729+7C>T on transcript NM_000552.5 (MANE Select); 7 bases into the intron after coding-DNA position 7729, C replaced by T.
Molecular consequence: intron variant.
Genome position (GRCh38, 1-based): chr12:5,969,204, G>A on the plus strand (C>T on the coding strand, the complement: VWF is on the minus strand). VCF-style: chr12-5969204-G-A. GRCh37 (hg19) VCF-style: chr12-6078370-G-A.
Other names: c.7729+7C>T (NM_000552.4).
Identifiers: ClinVar variation 100484 (VCV000100484.6), dbSNP rs61751301, ClinGen allele CA228815.
Genomic context (GRCh38, chr12:5,969,204, plus strand): 5'-CCAAAAGTGGAAAGAGAGGCTTAAAGGTGGTGCCCGGTCCAGCCCAGCCCCAGCCTGCAT[G>A]CCTTACCACAGCGACAGCTTGGGCAGCACGCTGAGGTCTTACAGCTCAGCTGAAAGCCCG-3'